The following is an entry in ClinVar:

NM_000535.7(PMS2):c.734T>C (p.Leu245Pro)

Gene: PMS2 (PMS1 homolog 2, mismatch repair system component; minus strand). Cytogenetic location: 7p22.1.
Variant type: single nucleotide variant.
Coding change: c.734T>C on transcript NM_000535.7 (MANE Select); coding-DNA position 734, T replaced by C.
Protein change: p.Leu245Pro; replaces leucine 245 with proline.
Molecular consequence: missense variant. On other transcripts: 5 prime UTR variant (2), non-coding transcript variant (1), intron variant (3).
Genome position (GRCh38, 1-based): chr7:5,997,395, A>G on the plus strand (T>C on the coding strand, the complement: PMS2 is on the minus strand). VCF-style: chr7-5997395-A-G. GRCh37 (hg19) VCF-style: chr7-6037026-A-G.
Other names: c.734T>C, p.Leu245Pro (NM_001406872.1, NM_001322006.2, NM_001322014.2 and 3 more transcripts); c.566T>C, p.Leu189Pro (NM_001406874.1, NM_001406884.1); c.425T>C, p.Leu142Pro (NM_001406875.1, NM_001406880.1, NM_001406877.1 and 6 more transcripts); c.416T>C, p.Leu139Pro (NM_001406876.1, NM_001322007.2, NM_001322008.2 and 4 more transcripts); c.329T>C, p.Leu110Pro (NM_001018040.1, NM_001322003.2, NM_001322004.2 and 20 more transcripts); c.-200T>C (NM_001322011.2, NM_001322012.2); c.161T>C, p.Leu54Pro (NM_001322013.2, NM_001406909.1); c.920T>C, p.Leu307Pro (NM_001406866.1); and 7 more; short protein forms L209P, L307P, L110P, L139P, L245P, L54P, L133P, L142P.
Identifiers: ClinVar variation 2451620 (VCV002451620.2), dbSNP rs2128788157, ClinGen allele CA366743742.

ClinVar aggregate classification (germline): Uncertain significance (1 of 4 stars; one submission).

Conditions:
Hereditary cancer-predisposing syndrome. Also called: Neoplastic Syndromes, Hereditary; Tumor predisposition; Hereditary neoplastic syndrome; Hereditary Cancer Syndrome. Identifiers: Orphanet 140162, MedGen C0027672, MeSH D009386, MONDO:0015356.

Submission:

Ambry Genetics
Classification: Uncertain significance for Hereditary cancer-predisposing syndrome. Last evaluated: 2023-01-25. Review status: criteria provided, single submitter. Criteria: Ambry Variant Classification Scheme 2023. Collection method: clinical testing. Allele origin: germline.
Comment: The p.L245P variant (also known as c.734T>C), located in coding exon 7 of the PMS2 gene, results from a T to C substitution at nucleotide position 734. The leucine at codon 245 is replaced by proline, an amino acid with similar properties. This amino acid position is conserved. In addition, the in silico prediction for this alteration is inconclusive. Since supporting evidence is limited at this time, the clinical significance of this alteration remains unclear.